The following is an entry in ClinVar:

NM_022089.4(ATP13A2):c.3258G>A (p.Ala1086=)

Gene: ATP13A2 (ATPase cation transporting 13A2; minus strand). Cytogenetic location: 1p36.13.
Variant type: single nucleotide variant.
Coding change: c.3258G>A on transcript NM_022089.4 (MANE Select); coding-DNA position 3258, G replaced by A.
Protein change: p.Ala1086=; no amino-acid change (alanine 1086 retained).
Molecular consequence: synonymous variant. On other transcripts: intron variant (1).
Genome position (GRCh38, 1-based): chr1:16,986,610, C>T on the plus strand (G>A on the coding strand, the complement: ATP13A2 is on the minus strand). VCF-style: chr1-16986610-C-T. GRCh37 (hg19) VCF-style: chr1-17313105-C-T.
Other names: c.3243G>A, p.Ala1081= (NM_001141973.3); c.3103+195G>A (NM_001141974.3).
Identifiers: ClinVar variation 593131 (VCV000593131.58), dbSNP rs377253172, ClinGen allele CA636534.

ClinVar aggregate classification (germline): Conflicting classifications of pathogenicity. Review status: criteria provided, conflicting classifications (1 of 4 stars). 5 submissions from 5 submitters: Uncertain significance (2); Likely benign (3). Last evaluated 2025-09-28.

Conditions:
Kufor-Rakeb syndrome (KRS). Also called: PARKINSON DISEASE 9, AUTOSOMAL RECESSIVE, JUVENILE-ONSET. Identifiers: Orphanet 306674, Orphanet 314632, MedGen C1847640, MONDO:0011706, OMIM 606693.
Autosomal recessive spastic paraplegia type 78. Identifiers: Orphanet 513436, MedGen C5567893, MONDO:0014975, OMIM 617225.

Allele frequency attached by ClinVar (database versions not stated): gnomAD 0.00023 and 0.00024; TOPMed 0.00030; ESP Exome Variant Server 0.00031.
gnomAD v4.1: 124 of 1,610,022 alleles (0.0077%); highest among the groups gnomAD compares: African/African-American, 0.051%; no homozygotes.

Submissions (5):

Labcorp Genetics (formerly Invitae), Labcorp
Classification: Likely benign for Kufor-Rakeb syndrome; Autosomal recessive spastic paraplegia type 78. Last evaluated: 2025-09-28. Review status: criteria provided, single submitter. Criteria: Invitae Variant Classification Sherloc (09022015). Collection method: clinical testing. Allele origin: germline.

Blueprint Genetics
Classification: Likely benign. Last evaluated: 2024-10-04. Review status: criteria provided, single submitter. Criteria: ACMG Guidelines, 2015. Collection method: clinical testing. Allele origin: germline.

CeGaT Center for Human Genetics Tuebingen
Classification: Likely benign. Last evaluated: 2022-07-01. Review status: criteria provided, single submitter. Criteria: CeGaT Center For Human Genetics Tuebingen Variant Classification Criteria Version 2. Collection method: clinical testing. Allele origin: germline. Affected: yes. Observed: 3 variant alleles.
Comment: ATP13A2: BP4, BP7

Illumina Laboratory Services, Illumina
Classification: Uncertain significance for Kufor-Rakeb syndrome. Last evaluated: 2018-01-13. Review status: criteria provided, single submitter. Criteria: ICSL Variant Classification Criteria 13 December 2019. Collection method: clinical testing. Allele origin: germline.

Eurofins Ntd Llc (ga)
Classification: Uncertain significance. Last evaluated: 2017-07-25. Review status: criteria provided, single submitter. Criteria: EGL Classification Definitions 2015. Collection method: clinical testing. Allele origin: germline. Observed: 1 variant allele, 1 heterozygote.